The following is an entry in ClinVar:

NM_206933.4(USH2A):c.6178dup (p.Gln2060fs)

Gene: USH2A (usherin; minus strand). Cytogenetic location: 1q41.
Variant type: Duplication.
Coding change: c.6178dup on transcript NM_206933.4 (MANE Select); coding-DNA position 6178, one base duplicated (C; older notation c.6178dupC).
Protein change: p.Gln2060fs; shifts the reading frame from glutamine 2060.
Molecular consequence: frameshift variant.
Genome position (GRCh38, 1-based): chr1:216,046,578, G duplicated on the plus strand (C on the coding strand, the reverse complement: USH2A is on the minus strand). VCF-style (leftmost placement, unchanged base first): chr1-216046577-T-TG. GRCh37 (hg19) VCF-style: chr1-216219919-T-TG.
Other names: c.6178dupC (NM_206933.2); short protein forms Q2060fs.
Identifiers: ClinVar variation 556673 (VCV000556673.9), dbSNP rs1553294144, ClinGen allele CA658822728.

ClinVar aggregate classification (germline): Pathogenic/Likely pathogenic. Review status: criteria provided, multiple submitters, no conflicts (2 of 4 stars). 4 submissions from 3 submitters: Pathogenic (1); Likely pathogenic (2). 1 of the submissions does not count toward it. Last evaluated 2025-06-29.

Conditions:
Retinitis pigmentosa 39 (RP39). Identifiers: Orphanet 791, MedGen C3151138, MONDO:0013436, OMIM 613809.
Usher syndrome type 2A. Also called: RETINAL DISEASE IN USHER SYNDROME TYPE IIA, MODIFIER OF; USHER SYNDROME, TYPE IIA. Identifiers: Orphanet 231178, Orphanet 886, MedGen C1848634, MONDO:0010169, OMIM 276901.

Allele frequency attached by ClinVar (database versions not stated): gnomAD exomes below 0.00001.

Submissions (4):

Labcorp Genetics (formerly Invitae), Labcorp
Classification: Pathogenic. Last evaluated: 2025-06-29. Review status: criteria provided, single submitter. Criteria: Invitae Variant Classification Sherloc (09022015). Collection method: clinical testing. Allele origin: germline.
Comment: This sequence change creates a premature translational stop signal (p.Gln2060Profs*43) in the USH2A gene. It is expected to result in an absent or disrupted protein product. Loss-of-function variants in USH2A are known to be pathogenic (PMID: 10729113, 10909849, 20507924, 25649381). This variant is not present in population databases (gnomAD no frequency). This variant has not been reported in the literature in individuals affected with USH2A-related conditions. ClinVar contains an entry for this variant (Variation ID: 556673). For these reasons, this variant has been classified as Pathogenic.

Genome-Nilou Lab
Classification: Likely pathogenic for Retinitis pigmentosa 39. Last evaluated: 2023-11-04. Review status: criteria provided, single submitter. Criteria: ACMG Guidelines, 2015. Collection method: clinical testing. Allele origin: germline. Affected: no.

Genome-Nilou Lab
Classification: Likely pathogenic for Usher syndrome type 2A. Last evaluated: 2023-11-04. Review status: criteria provided, single submitter. Criteria: ACMG Guidelines, 2015. Collection method: clinical testing. Allele origin: germline. Affected: no.

Counsyl
Classification: Likely pathogenic for Usher syndrome type 2A; Retinitis pigmentosa 39. Last evaluated: 2018-02-13. Review status: no assertion criteria provided. Collection method: clinical testing. Allele origin: unknown. Not counted in ClinVar's aggregate classification.

Literature cited by the submitters: PubMed 10729113 (cited by Labcorp Genetics (formerly Invitae), Labcorp); PubMed 10909849 (cited by Labcorp Genetics (formerly Invitae), Labcorp); PubMed 20507924 (cited by Labcorp Genetics (formerly Invitae), Labcorp); PubMed 25649381 (cited by Labcorp Genetics (formerly Invitae), Labcorp).